The following is an entry in ClinVar:

NM_144997.7(FLCN):c.1A>G (p.Met1Val)

Gene: FLCN (folliculin; minus strand). Cytogenetic location: 17p11.2.
Variant type: single nucleotide variant.
Coding change: c.1A>G on transcript NM_144997.7 (MANE Select); coding-DNA position 1, A replaced by G.
Protein change: p.Met1Val; changes the start codon (methionine 1).
Molecular consequence: missense variant, initiator codon variant.
Genome position (GRCh38, 1-based): chr17:17,228,137, T>C on the plus strand (A>G on the coding strand, the complement: FLCN is on the minus strand). VCF-style: chr17-17228137-T-C. GRCh37 (hg19) VCF-style: chr17-17131451-T-C.
Other names: c.1A>G, p.Met1Val (NM_001353229.2, NM_001353230.2, NM_001353231.2 and 1 more transcripts); c.1A>G (NM_144997.5); short protein forms M1V.
Identifiers: ClinVar variation 999927 (VCV000999927.7), dbSNP rs2047316806, ClinGen allele CA398535538.

ClinVar aggregate classification (germline): Pathogenic/Likely pathogenic. Review status: criteria provided, multiple submitters, no conflicts (2 of 4 stars). 2 submissions from 2 submitters: Pathogenic (1); Likely pathogenic (1). Last evaluated 2024-07-28.

Conditions:
Birt-Hogg-Dube syndrome. Also called: Birt Hogg Dubé syndrome. Identifiers: Orphanet 122, MedGen C0346010, MONDO:0800444.
Birt-Hogg-Dube syndrome 1 (BHD1). Also called: FIBROFOLLICULOMAS WITH TRICHODISCOMAS AND ACROCHORDONS. Identifiers: Orphanet 122, MedGen CN375946, MONDO:0800445, OMIM 135150.

Allele frequency attached by ClinVar (database versions not stated): gnomAD exomes below 0.00001.

Submissions (2):

Molecular Pathology, Peter Maccallum Cancer Centre
Classification: Likely pathogenic for Birt-Hogg-Dube syndrome 1. Last evaluated: 2024-07-28. Review status: criteria provided, single submitter. Criteria: ACMG Guidelines, 2015. Collection method: clinical testing. Allele origin: germline. Inheritance: Autosomal dominant inheritance.

Labcorp Genetics (formerly Invitae), Labcorp
Classification: Pathogenic for Birt-Hogg-Dube syndrome. Last evaluated: 2023-09-12. Review status: criteria provided, single submitter. Criteria: Invitae Variant Classification Sherloc (09022015). Collection method: clinical testing. Allele origin: germline.
Comment: This variant disrupts a region of the FLCN protein in which other variant(s) (p.Cys11Trp) have been determined to be pathogenic (Invitae; external communication). This suggests that this is a clinically significant region of the protein, and that variants that disrupt it are likely to be disease-causing. For these reasons, this variant has been classified as Pathogenic. ClinVar contains an entry for this variant (Variation ID: 999927). Disruption of the initiator codon has been observed in individual(s) with clinical features of Birt-Hogg-Dubé syndrome and/or colorectal cancer (PMID: 17034545, 19801896, 22146830, 28944238). This variant is not present in population databases (gnomAD no frequency). This sequence change affects the initiator methionine of the FLCN mRNA. The next in-frame methionine is located at codon 54.

Literature cited by the submitters: PubMed 17034545 (cited by Labcorp Genetics (formerly Invitae), Labcorp); PubMed 19801896 (cited by Labcorp Genetics (formerly Invitae), Labcorp); PubMed 22146830 (cited by Labcorp Genetics (formerly Invitae), Labcorp); PubMed 28944238 (cited by Labcorp Genetics (formerly Invitae), Labcorp).